The following is an entry in ClinVar:

ClinVar aggregate classification (germline): Uncertain significance (1 of 4 stars; one submission).

Conditions:
Long QT syndrome (LQTS). Identifiers: MedGen C0023976, MeSH D008133, MONDO:0002442. Disease mechanism: loss of function. Inheritance: Various modes of inheritance.

Submission:

Labcorp Genetics (formerly Invitae), Labcorp
Classification: Uncertain significance for Long QT syndrome. Last evaluated: 2022-11-26. Review status: criteria provided, single submitter. Criteria: Invitae Variant Classification Sherloc (09022015). Collection method: clinical testing. Allele origin: germline.
Comment: This variant has not been reported in the literature in individuals affected with AKAP9-related conditions. In summary, the available evidence is currently insufficient to determine the role of this variant in disease. Therefore, it has been classified as a Variant of Uncertain Significance. Algorithms developed to predict the effect of missense changes on protein structure and function are either unavailable or do not agree on the potential impact of this missense change (SIFT: "Deleterious"; PolyPhen-2: "Probably Damaging"; Align-GVGD: "Class C0"). This variant is not present in population databases (gnomAD no frequency). This sequence change replaces leucine, which is neutral and non-polar, with histidine, which is basic and polar, at codon 530 of the AKAP9 protein (p.Leu530His).

NM_005751.5(AKAP9):c.1589T>A (p.Leu530His)

Gene: AKAP9 (A-kinase anchoring protein 9; plus strand). Cytogenetic location: 7q21.2.
Variant type: single nucleotide variant.
Coding change: c.1589T>A on transcript NM_005751.5 (MANE Select); coding-DNA position 1589, T replaced by A.
Protein change: p.Leu530His; replaces leucine 530 with histidine.
Molecular consequence: missense variant.
Genome position (GRCh38, 1-based): chr7:92,001,506, T>A. VCF-style: chr7-92001506-T-A. GRCh37 (hg19) VCF-style: chr7-91630820-T-A.
Other names: c.1589T>A, p.Leu530His (NM_147185.3); short protein forms L530H.
Identifiers: ClinVar variation 1721859 (VCV001721859.5), dbSNP rs1799181474, ClinGen allele CA368122134.